The following is an entry in ClinVar:

ClinVar aggregate classification (germline): Uncertain significance (1 of 4 stars; one submission).

Conditions:
Thrombomodulin-related bleeding disorder (THPH12). Also called: Thrombophilia due to thrombomodulin defect. Identifiers: Orphanet 436169, MedGen C3280976, MONDO:0013775, OMIM 614486.

Submission:

Genomenon, Inc
Classification: Uncertain significance for Thrombomodulin-related bleeding disorder. Last evaluated: 2025-09-22. Review status: criteria provided, single submitter. Criteria: Genomenon Sequence Variant Interpretation Standards - Updated. Collection method: curation. Allele origin: germline. Affected: no.
Comment: THBD p.Asp489Ala (c.1466A>C) is a missense variant that changes the amino acid at residue 489 from Aspartic acid to Alanine. Functional studies have been reported; however, the significance of the findings remain unclear (PMID:25772620). It is absent or not present at a significant frequency in gnomAD. In conclusion, we classify THBD p.Asp489Ala (c.1466A>C) as a variant of unknown significance.

Literature cited by the submitters: PubMed 25772620.

NM_000361.3(THBD):c.1466A>C (p.Asp489Ala)

Gene: THBD (thrombomodulin; minus strand). Cytogenetic location: 20p11.21.
Variant type: single nucleotide variant.
Coding change: c.1466A>C on transcript NM_000361.3 (MANE Select); coding-DNA position 1466, A replaced by C.
Protein change: p.Asp489Ala; replaces aspartic acid 489 with alanine.
Molecular consequence: missense variant.
Genome position (GRCh38, 1-based): chr20:23,048,039, T>G on the plus strand (A>C on the coding strand, the complement: THBD is on the minus strand). VCF-style: chr20-23048039-T-G. GRCh37 (hg19) VCF-style: chr20-23028676-T-G.
Other names: short protein forms D489A.
Identifiers: ClinVar variation 4280476 (VCV004280476.1).
Genomic context (GRCh38, chr20:23,048,039, plus strand): 5'-GCCGGAGGAGTCAAGGTGGAGCCGGGCGTCGGGCTGGGCGGGGGCTCGCCAGAGCCGCTG[T>G]CGCCACCGTCCACCTTGCCGGAGTCACAGTCGGTGCCAATGTGGCGGGCAAGGGCCGAGT-3'
Protein context (NP_000352.1, residues 479-499): DCDSGKVDGG[Asp489Ala]SGSGEPPPSP